The following is an entry in ClinVar:

ClinVar aggregate classification (germline): Uncertain significance (1 of 4 stars; one submission).

Conditions:
Intellectual disability, CASK-related, X-linked. Identifiers: MedGen CN043158.

Submission:

Labcorp Genetics (formerly Invitae), Labcorp
Classification: Uncertain significance for Intellectual disability, CASK-related, X-linked. Last evaluated: 2024-03-02. Review status: criteria provided, single submitter. Criteria: Invitae Variant Classification Sherloc (09022015). Collection method: clinical testing. Allele origin: germline.
Comment: This sequence change replaces threonine, which is neutral and polar, with isoleucine, which is neutral and non-polar, at codon 910 of the CASK protein (p.Thr910Ile). This variant is not present in population databases (gnomAD no frequency). This variant has not been reported in the literature in individuals affected with CASK-related conditions. Advanced modeling of protein sequence and biophysical properties (such as structural, functional, and spatial information, amino acid conservation, physicochemical variation, residue mobility, and thermodynamic stability) has been performed at Invitae for this missense variant, however the output from this modeling did not meet the statistical confidence thresholds required to predict the impact of this variant on CASK protein function. In summary, the available evidence is currently insufficient to determine the role of this variant in disease. Therefore, it has been classified as a Variant of Uncertain Significance.

NM_001367721.1(CASK):c.2744C>T (p.Thr915Ile)

Genes: CASK (calcium/calmodulin dependent serine protein kinase; minus strand), CASK-AS1 (CASK antisense RNA 1; plus strand). Cytogenetic location: Xp11.4.
Variant type: single nucleotide variant.
Coding change: c.2744C>T on transcript NM_001367721.1 (MANE Select); coding-DNA position 2744, C replaced by T.
Protein change: p.Thr915Ile; replaces threonine 915 with isoleucine.
Molecular consequence: missense variant.
Genome position (GRCh38, 1-based): chrX:41,520,457, G>A on the plus strand (C>T on the coding strand, the complement: CASK is on the minus strand). VCF-style: chrX-41520457-G-A. GRCh37 (hg19) VCF-style: chrX-41379710-G-A.
Other names: c.2660C>T, p.Thr887Ile (NM_001126054.3); c.2657C>T, p.Thr886Ile (NM_001126055.3); c.2726C>T, p.Thr909Ile (NM_001410745.1); c.2729C>T, p.Thr910Ile (NM_003688.4); short protein forms T886I, T910I, T909I, T887I, T915I.
Identifiers: ClinVar variation 3644082 (VCV003644082.2).